The following is an entry in ClinVar:

ClinVar aggregate classification (germline): Uncertain significance (1 of 4 stars; one submission).

Allele frequency attached by ClinVar (database versions not stated): TOPMed below 0.00001.
gnomAD v4.1: 1 of 1,614,112 alleles (0.000062%); highest among the groups gnomAD compares: Admixed American, 0.0017%; no homozygotes.

Submission:

GeneDx
Classification: Uncertain significance. Last evaluated: 2025-05-30. Review status: criteria provided, single submitter. Criteria: GeneDx Variant Classification Process June 2021. Collection method: clinical testing. Allele origin: germline. Affected: yes.
Comment: Not observed at significant frequency in large population cohorts (gnomAD); In silico analysis suggests that this variant does not alter splicing; Has not been previously published as pathogenic or benign to our knowledge

NM_001378974.1(FBXW11):c.1221+5G>C

Gene: FBXW11 (F-box and WD repeat domain containing 11; minus strand). Cytogenetic location: 5q35.1.
Variant type: single nucleotide variant.
Coding change: c.1221+5G>C on transcript NM_001378974.1 (MANE Select); 5 bases into the intron after coding-DNA position 1221, G replaced by C.
Molecular consequence: intron variant.
Genome position (GRCh38, 1-based): chr5:171,876,280, C>G on the plus strand (G>C on the coding strand, the complement: FBXW11 is on the minus strand). VCF-style: chr5-171876280-C-G. GRCh37 (hg19) VCF-style: chr5-171303284-C-G.
Other names: c.1056+5G>C (NM_001378980.1, NM_033645.3); c.1119+5G>C (NM_033644.3); c.1152+5G>C (NM_001378975.1); c.1158+5G>C (NM_012300.3); c.1062+5G>C (NM_001378977.1, NM_001378979.1, NM_001378978.1); c.1125+5G>C (NM_001378976.1).
Identifiers: ClinVar variation 1318839 (VCV001318839.5), dbSNP rs748226503, ClinGen allele CA807574734.
Genomic context (GRCh38, chr5:171,876,280, plus strand): 5'-CTCTGCTTTGTCTCTGTTCTAAAAGGGACAGGAACAGGTAGGGTTATGACTGCAGACATA[C>G]TTACTTTGATGGTCCTGTCACCAGAGGCAGACACGATGTACTTGTCGTCAAAGTCTACTA-3'